The following is an entry in ClinVar:

ClinVar aggregate classification (germline): Uncertain significance. Review status: criteria provided, multiple submitters, no conflicts (2 of 4 stars). 3 submissions from 3 submitters: Uncertain significance (3). Last evaluated 2024-10-15.

Conditions:
Inborn genetic diseases. Identifiers: MedGen C0950123, MeSH D030342.

Allele frequency attached by ClinVar (database versions not stated): gnomAD exomes 0.00005 and 0.00011; ExAC 0.00007; gnomAD 0.00007 and 0.00008; TOPMed 0.00007.
gnomAD v4.1: 163 of 1,614,012 alleles (0.01%); highest among the groups gnomAD compares: Non-Finnish European, 0.013%; 1 homozygote.

Submissions (3):

Blueprint Genetics
Classification: Uncertain significance. Last evaluated: 2024-10-15. Review status: criteria provided, single submitter. Criteria: ACMG Guidelines, 2015. Collection method: clinical testing. Allele origin: germline.

Ambry Genetics
Classification: Uncertain significance for Inborn genetic diseases. Last evaluated: 2024-03-12. Review status: criteria provided, single submitter. Criteria: Ambry Variant Classification Scheme 2023. Collection method: clinical testing. Allele origin: germline.

Labcorp Genetics (formerly Invitae), Labcorp
Classification: Uncertain significance. Last evaluated: 2022-08-21. Review status: criteria provided, single submitter. Criteria: Invitae Variant Classification Sherloc (09022015). Collection method: clinical testing. Allele origin: germline.
Comment: This sequence change replaces phenylalanine, which is neutral and non-polar, with leucine, which is neutral and non-polar, at codon 372 of the RTN4IP1 protein (p.Phe372Leu). This variant is present in population databases (rs754531826, gnomAD 0.009%). This variant has not been reported in the literature in individuals affected with RTN4IP1-related conditions. ClinVar contains an entry for this variant (Variation ID: 1025613). Algorithms developed to predict the effect of missense changes on protein structure and function are either unavailable or do not agree on the potential impact of this missense change (SIFT: "Deleterious"; PolyPhen-2: "Benign"; Align-GVGD: "Class C0"). Algorithms developed to predict the effect of sequence changes on RNA splicing suggest that this variant may create or strengthen a splice site. In summary, the available evidence is currently insufficient to determine the role of this variant in disease. Therefore, it has been classified as a Variant of Uncertain Significance.

NM_032730.5(RTN4IP1):c.1116T>G (p.Phe372Leu)

Gene: RTN4IP1 (reticulon 4 interacting protein 1; minus strand). Cytogenetic location: 6q21.
Variant type: single nucleotide variant.
Coding change: c.1116T>G on transcript NM_032730.5 (MANE Select); coding-DNA position 1116, T replaced by G.
Protein change: p.Phe372Leu; replaces phenylalanine 372 with leucine.
Molecular consequence: missense variant.
Genome position (GRCh38, 1-based): chr6:106,572,071, A>C on the plus strand (T>G on the coding strand, the complement: RTN4IP1 is on the minus strand). VCF-style: chr6-106572071-A-C. GRCh37 (hg19) VCF-style: chr6-107019946-A-C.
Other names: c.816T>G, p.Phe272Leu (NM_001318746.1); c.1116T>G (NM_032730.4); short protein forms F272L, F372L.
Identifiers: ClinVar variation 1025613 (VCV001025613.5), dbSNP rs754531826, ClinGen allele CA3944269.